The following is an entry in ClinVar:

NM_020928.2(ZSWIM6):c.1679C>G (p.Pro560Arg)

Gene: ZSWIM6 (zinc finger SWIM-type containing 6; plus strand). Cytogenetic location: 5q12.1.
Variant type: single nucleotide variant.
Coding change: c.1679C>G on transcript NM_020928.2 (MANE Select); coding-DNA position 1679, C replaced by G.
Protein change: p.Pro560Arg; replaces proline 560 with arginine.
Molecular consequence: missense variant.
Genome position (GRCh38, 1-based): chr5:61,525,965, C>G. VCF-style: chr5-61525965-C-G. GRCh37 (hg19) VCF-style: chr5-60821792-C-G.
Other names: short protein forms P560R.
Identifiers: ClinVar variation 1365387 (VCV001365387.6), dbSNP rs1449628998, ClinGen allele CA359943609.

ClinVar aggregate classification (germline): Uncertain significance (1 of 4 stars; one submission).

Allele frequency attached by ClinVar (database versions not stated): gnomAD exomes below 0.00001; TOPMed 0.00001; gnomAD 0.00002.
gnomAD v4.1: 10 of 1,551,902 alleles (0.00064%); highest among the groups gnomAD compares: African/African-American, 0.0014%; no homozygotes.

Submission:

Labcorp Genetics (formerly Invitae), Labcorp
Classification: Uncertain significance. Last evaluated: 2024-05-13. Review status: criteria provided, single submitter. Criteria: Invitae Variant Classification Sherloc (09022015). Collection method: clinical testing. Allele origin: germline.
Comment: This sequence change replaces proline, which is neutral and non-polar, with arginine, which is basic and polar, at codon 560 of the ZSWIM6 protein (p.Pro560Arg). This variant is not present in population databases (gnomAD no frequency). This variant has not been reported in the literature in individuals affected with ZSWIM6-related conditions. ClinVar contains an entry for this variant (Variation ID: 1365387). An algorithm developed to predict the effect of missense changes on protein structure and function (PolyPhen-2) suggests that this variant is likely to be disruptive. In summary, the available evidence is currently insufficient to determine the role of this variant in disease. Therefore, it has been classified as a Variant of Uncertain Significance.